The following is an entry in ClinVar:

ClinVar aggregate classification (germline): Uncertain significance (1 of 4 stars; one submission).

Submission:

Ambry Genetics
Classification: Uncertain significance. Last evaluated: 2021-11-14. Review status: criteria provided, single submitter. Criteria: Ambry Variant Classification Scheme 2023. Collection method: clinical testing. Allele origin: germline.
Comment: The p.I46T variant (also known as c.137T>C), located in coding exon 1 of the TERF2IP gene, results from a T to C substitution at nucleotide position 137. The isoleucine at codon 46 is replaced by threonine, an amino acid with similar properties. This amino acid position is conserved. In addition, this alteration is predicted to be deleterious by in silico analysis. Since supporting evidence is limited at this time, the clinical significance of this alteration remains unclear.

NM_018975.4(TERF2IP):c.137T>C (p.Ile46Thr)

Gene: TERF2IP (TERF2 interacting protein; plus strand). Cytogenetic location: 16q23.1.
Variant type: single nucleotide variant.
Coding change: c.137T>C on transcript NM_018975.4 (MANE Select); coding-DNA position 137, T replaced by C.
Protein change: p.Ile46Thr; replaces isoleucine 46 with threonine.
Molecular consequence: missense variant. On other transcripts: non-coding transcript variant (1).
Genome position (GRCh38, 1-based): chr16:75,648,019, T>C. VCF-style: chr16-75648019-T-C. GRCh37 (hg19) VCF-style: chr16-75681917-T-C.
Other names: short protein forms I46T.
Identifiers: ClinVar variation 1771262 (VCV001771262.2), dbSNP rs2507072645, ClinGen allele CA396817301.